The following is an entry in ClinVar:

ClinVar aggregate classification (germline): Benign/Likely benign. Review status: criteria provided, multiple submitters, no conflicts (2 of 4 stars). 3 submissions from 3 submitters: Benign (2); Likely benign (1). Last evaluated 2025-09-01.

Allele frequency attached by ClinVar (database versions not stated): 1000 Genomes Project 0.00120; 1000 Genomes Project 30x 0.00141; gnomAD exomes 0.00220 and 0.00354; ExAC 0.00225; gnomAD 0.00253 and 0.00263; TOPMed 0.00271; ESP Exome Variant Server 0.00323.
gnomAD v4.1: 5,543 of 1,614,082 alleles (0.34%); highest among the groups gnomAD compares: Non-Finnish European, 0.43%; 18 homozygotes.

Submissions (3):

CeGaT Center for Human Genetics Tuebingen
Classification: Likely benign. Last evaluated: 2025-09-01. Review status: criteria provided, single submitter. Criteria: CeGaT Center For Human Genetics Tuebingen Variant Classification Criteria Version 2. Collection method: clinical testing. Allele origin: germline. Affected: yes. Observed: 2 variant alleles.
Comment: MCM10: BP4, BP7, BS2

Labcorp Genetics (formerly Invitae), Labcorp
Classification: Benign. Last evaluated: 2018-01-30. Review status: criteria provided, single submitter. Criteria: Invitae Variant Classification Sherloc (09022015). Collection method: clinical testing. Allele origin: germline.

Breakthrough Genomics
Classification: Benign. Review status: criteria provided, single submitter. Criteria: ACMG Guidelines, 2015. Collection method: not provided. Allele origin: germline. Inheritance: Autosomal recessive inheritance. Affected: yes.

NM_018518.5(MCM10):c.1806C>T (p.Pro602=)

Gene: MCM10 (minichromosome maintenance 10 replication initiation factor; plus strand). Cytogenetic location: 10p13.
Variant type: single nucleotide variant.
Coding change: c.1806C>T on transcript NM_018518.5 (MANE Select); coding-DNA position 1806, C replaced by T.
Protein change: p.Pro602=; no amino-acid change (proline 602 retained).
Molecular consequence: synonymous variant.
Genome position (GRCh38, 1-based): chr10:13,195,101, C>T. VCF-style: chr10-13195101-C-T. GRCh37 (hg19) VCF-style: chr10-13237101-C-T.
Other names: c.1809C>T, p.Pro603= (NM_182751.3).
Identifiers: ClinVar variation 725888 (VCV000725888.12), dbSNP rs145055712, ClinGen allele CA5411639.